The following is an entry in ClinVar:

ClinVar aggregate classification (germline): Uncertain significance. Review status: criteria provided, multiple submitters, no conflicts (2 of 4 stars). 2 submissions from 2 submitters: Uncertain significance (2). Last evaluated 2024-06-06.

Allele frequency attached by ClinVar (database versions not stated): TOPMed below 0.00001; gnomAD 0.00005 and 0.00007; gnomAD exomes 0.00012; 1000 Genomes Project 0.00020; 1000 Genomes Project 30x 0.00031.
gnomAD v4.1: 170 of 1,482,246 alleles (0.011%); highest among the groups gnomAD compares: Middle Eastern, 0.024%; no homozygotes.

Submissions (2):

Blueprint Genetics
Classification: Uncertain significance. Last evaluated: 2024-06-06. Review status: criteria provided, single submitter. Criteria: ACMG Guidelines, 2015. Collection method: clinical testing. Allele origin: germline.

Labcorp Genetics (formerly Invitae), Labcorp
Classification: Uncertain significance. Last evaluated: 2022-02-03. Review status: criteria provided, single submitter. Criteria: Invitae Variant Classification Sherloc (09022015). Collection method: clinical testing. Allele origin: germline.
Comment: This sequence change replaces alanine, which is neutral and non-polar, with valine, which is neutral and non-polar, at codon 354 of the SAMD11 protein (p.Ala354Val). The frequency data for this variant in the population databases is considered unreliable, as metrics indicate poor data quality at this position in the gnomAD database. This variant has not been reported in the literature in individuals affected with SAMD11-related conditions. ClinVar contains an entry for this variant (Variation ID: 964318). Algorithms developed to predict the effect of missense changes on protein structure and function are either unavailable or do not agree on the potential impact of this missense change (SIFT: "Deleterious"; PolyPhen-2: "Probably Damaging"; Align-GVGD: "Class C0"). Algorithms developed to predict the effect of sequence changes on RNA splicing suggest that this variant may create or strengthen a splice site. In summary, the available evidence is currently insufficient to determine the role of this variant in disease. Therefore, it has been classified as a Variant of Uncertain Significance.

NM_001385641.1(SAMD11):c.1550C>T (p.Ala517Val)

Gene: SAMD11 (sterile alpha motif domain containing 11; plus strand). Cytogenetic location: 1p36.33.
Variant type: single nucleotide variant.
Coding change: c.1550C>T on transcript NM_001385641.1 (MANE Select); coding-DNA position 1550, C replaced by T.
Protein change: p.Ala517Val; replaces alanine 517 with valine.
Molecular consequence: missense variant.
Genome position (GRCh38, 1-based): chr1:942,485, C>T. VCF-style: chr1-942485-C-T. GRCh37 (hg19) VCF-style: chr1-877865-C-T.
Other names: c.1553C>T, p.Ala518Val (NM_001385640.1); c.1061C>T, p.Ala354Val (NM_152486.4); short protein forms A354V, A517V, A518V.
Identifiers: ClinVar variation 964318 (VCV000964318.11), dbSNP rs573022005, ClinGen allele CA16724564.